The following is an entry in ClinVar:

NM_005120.3(MED12):c.137A>G (p.Asn46Ser)

Gene: MED12 (mediator complex subunit 12; plus strand). Cytogenetic location: Xq13.1.
Variant type: single nucleotide variant.
Coding change: c.137A>G on transcript NM_005120.3 (MANE Select); coding-DNA position 137, A replaced by G.
Protein change: p.Asn46Ser; replaces asparagine 46 with serine.
Molecular consequence: missense variant.
Genome position (GRCh38, 1-based): chrX:71,119,410, A>G. VCF-style: chrX-71119410-A-G. GRCh37 (hg19) VCF-style: chrX-70339260-A-G.
Other names: c.137A>G (NM_005120.2); short protein forms N46S.
Identifiers: ClinVar variation 2122011 (VCV002122011.5), dbSNP rs769095144, ClinGen allele CA10444001.

ClinVar aggregate classification (germline): Conflicting classifications of pathogenicity. Review status: criteria provided, conflicting classifications (1 of 4 stars). 2 submissions from 2 submitters: Uncertain significance (1); Likely benign (1). Last evaluated 2026-04-14.

Conditions:
Familial thoracic aortic aneurysm and aortic dissection (TAAD). Also called: Thoracic aortic aneurysms and dissections. Identifiers: Orphanet 91387, MedGen C4707243, MONDO:0019625.
FG syndrome (FGS). Identifiers: MedGen C0220769, MONDO:0002010.

Allele frequency attached by ClinVar (database versions not stated): TOPMed 0.00002; gnomAD exomes 0.00001; gnomAD 0.00002.
gnomAD v4.1: 9 of 1,199,452 alleles (0.00075%); highest among the groups gnomAD compares: Admixed American, 0.0022%; no homozygotes.

Submissions (2):

Ambry Genetics
Classification: Uncertain significance for Familial thoracic aortic aneurysm and aortic dissection. Last evaluated: 2026-04-14. Review status: criteria provided, single submitter. Criteria: Ambry Variant Classification Scheme 2023. Collection method: clinical testing. Allele origin: germline.
Comment: The p.N46S variant (also known as c.137A>G), located in coding exon 2 of the MED12 gene, results from an A to G substitution at nucleotide position 137. The asparagine at codon 46 is replaced by serine, an amino acid with highly similar properties. This amino acid position is conserved. In addition, this alteration is predicted to be tolerated by in silico analysis. Based on the available evidence, the clinical significance of this variant remains unclear.

Labcorp Genetics (formerly Invitae), Labcorp
Classification: Likely benign for FG syndrome. Last evaluated: 2024-12-28. Review status: criteria provided, single submitter. Criteria: Invitae Variant Classification Sherloc (09022015). Collection method: clinical testing. Allele origin: germline.